The following is an entry in ClinVar:

NM_005263.5(GFI1):c.960C>G (p.Ser320Arg)

Gene: GFI1 (growth factor independent 1 transcriptional repressor; minus strand). Cytogenetic location: 1p22.1.
Variant type: single nucleotide variant.
Coding change: c.960C>G on transcript NM_005263.5 (MANE Select); coding-DNA position 960, C replaced by G.
Protein change: p.Ser320Arg; replaces serine 320 with arginine.
Molecular consequence: missense variant.
Genome position (GRCh38, 1-based): chr1:92,478,718, G>C on the plus strand (C>G on the coding strand, the complement: GFI1 is on the minus strand). VCF-style: chr1-92478718-G-C. GRCh37 (hg19) VCF-style: chr1-92944275-G-C.
Other names: c.960C>G, p.Ser320Arg (NM_001127215.3, NM_001127216.3); short protein forms S320R.
Identifiers: ClinVar variation 4029374 (VCV004029374.1).
Genomic context (GRCh38, chr1:92,478,718, plus strand): 5'-GTAGGGCCGAGTGTCTGAGTGGATAAGCAGGTGTGTGGACAGTGTGGATGACCTCTTGAA[G>C]CTCTTCCCACAGATCTTACAGTCAAAGCTCCGTTCCTGCAGAGAGAGAGAGAGAGAGAGA-3'
Protein context (NP_005254.2, residues 310-330): RSFDCKICGK[Ser320Arg]FKRSSTLSTH

ClinVar aggregate classification (germline): Uncertain significance (1 of 4 stars; one submission).

Submission:

Ambry Genetics
Classification: Uncertain significance. Last evaluated: 2025-03-31. Review status: criteria provided, single submitter. Criteria: Ambry Variant Classification Scheme 2023. Collection method: clinical testing. Allele origin: germline.
Comment: The p.S320R variant (also known as c.960C>G), located in coding exon 5 of the GFI1 gene, results from a C to G substitution at nucleotide position 960. The serine at codon 320 is replaced by arginine, an amino acid with dissimilar properties. This amino acid position is conserved. In addition, this alteration is predicted to be tolerated by in silico analysis. Based on the available evidence, the clinical significance of this variant remains unclear.